The following is an entry in ClinVar:

NM_001267550.2(TTN):c.21345A>C (p.Thr7115=)

Genes: TTN (titin; minus strand), LOC126806428 (BRD4-independent group 4 enhancer GRCh37_chr2:179588362-179589561; plus strand). Cytogenetic location: 2q31.2.
Variant type: single nucleotide variant.
Coding change: c.21345A>C on transcript NM_001267550.2 (MANE Select); coding-DNA position 21345, A replaced by C.
Protein change: p.Thr7115=; no amino-acid change (threonine 7115 retained).
Molecular consequence: synonymous variant. On other transcripts: intron variant (3).
Genome position (GRCh38, 1-based): chr2:178,723,914, T>G on the plus strand (A>C on the coding strand, the complement: TTN is on the minus strand). VCF-style: chr2-178723914-T-G. GRCh37 (hg19) VCF-style: chr2-179588641-T-G.
Other names: c.20394A>C, p.Thr6798= (NM_001256850.1); c.17613A>C, p.Thr5871= (NM_133378.4); c.13282+14168A>C (NM_003319.4); c.13858+14168A>C (NM_133437.4); c.13657+14168A>C (NM_133432.3).
Identifiers: ClinVar variation 1631830 (VCV001631830.9), dbSNP rs758613310, ClinGen allele CA2001053.

ClinVar aggregate classification (germline): Likely benign. Review status: criteria provided, multiple submitters, no conflicts (2 of 4 stars). 2 submissions from 2 submitters: Likely benign (2). Last evaluated 2025-08-24.

Conditions:
Dilated cardiomyopathy 1G (CMD1G). Identifiers: Orphanet 154, MedGen C1858763, MONDO:0011400, OMIM 604145.
Autosomal recessive limb-girdle muscular dystrophy type 2J (LGMDR10). Also called: Limb-girdle muscular dystrophy, type 2J; MUSCULAR DYSTROPHY, LIMB-GIRDLE, AUTOSOMAL RECESSIVE 10. Identifiers: Orphanet 140922, MedGen C1837342, MONDO:0012127, OMIM 608807.

gnomAD v4.1: 6 of 1,613,510 alleles (0.00037%); highest among the groups gnomAD compares: Admixed American, 0.01%; no homozygotes.

Submissions (2):

Labcorp Genetics (formerly Invitae), Labcorp
Classification: Likely benign for Dilated cardiomyopathy 1G; Autosomal recessive limb-girdle muscular dystrophy type 2J. Last evaluated: 2025-08-24. Review status: criteria provided, single submitter. Criteria: Invitae Variant Classification Sherloc (09022015). Collection method: clinical testing. Allele origin: germline.

Molecular Diagnostic Laboratory for Inherited Cardiovascular Disease, Montreal Heart Institute
Classification: Likely benign. Last evaluated: 2025-04-09. Review status: criteria provided, single submitter. Criteria: ACMG Guidelines, 2015. Collection method: clinical testing. Allele origin: germline. Affected: no.
Comment: BP6;BP7